The following is an entry in ClinVar:

ClinVar aggregate classification (germline): Uncertain significance (1 of 4 stars; one submission).

gnomAD v4.1: 16 of 1,613,932 alleles (0.00099%); highest among the groups gnomAD compares: Non-Finnish European, 0.0014%; no homozygotes.

Submission:

Labcorp Genetics (formerly Invitae), Labcorp
Classification: Uncertain significance. Last evaluated: 2026-02-01. Review status: criteria provided, single submitter. Criteria: Invitae Variant Classification Sherloc (09022015). Collection method: clinical testing. Allele origin: germline.
Comment: This sequence change replaces alanine, which is neutral and non-polar, with proline, which is neutral and non-polar, at codon 1852 of the LRRK1 protein (p.Ala1852Pro). This variant is present in population databases (no rsID available, gnomAD 0.0009%). This variant has not been reported in the literature in individuals affected with LRRK1-related conditions. An algorithm developed to predict the effect of missense changes on protein structure and function outputs the following: PolyPhen-2: "Benign". The proline amino acid residue is found in multiple mammalian species, which suggests that this missense change does not adversely affect protein function. In summary, the available evidence is currently insufficient to determine the role of this variant in disease. Therefore, it has been classified as a Variant of Uncertain Significance.

NM_024652.6(LRRK1):c.5554G>C (p.Ala1852Pro)

Genes: LRRK1-AS1 (LRRK1 antisense RNA 1; minus strand), LRRK1 (leucine rich repeat kinase 1; plus strand). Cytogenetic location: 15q26.3.
Variant type: single nucleotide variant.
Coding change: c.5554G>C on transcript NM_024652.6 (MANE Select); coding-DNA position 5554, G replaced by C.
Protein change: p.Ala1852Pro; replaces alanine 1852 with proline.
Molecular consequence: missense variant.
Genome position (GRCh38, 1-based): chr15:101,065,991, G>C. VCF-style: chr15-101065991-G-C. GRCh37 (hg19) VCF-style: chr15-101606196-G-C.
Other names: short protein forms A1852P.
Identifiers: ClinVar variation 4691172 (VCV004691172.1).